The following is an entry in ClinVar:

ClinVar aggregate classification (germline): Uncertain significance (1 of 4 stars; one submission).

Conditions:
Pitt-Hopkins syndrome (PTHS). Also called: ENCEPHALOPATHY, SEVERE EPILEPTIC, WITH AUTONOMIC DYSFUNCTION; MENTAL RETARDATION, SYNDROMAL, WITH INTERMITTENT HYPERVENTILATION. Identifiers: Orphanet 2896, MedGen C1970431, MONDO:0012589, OMIM 610954.

Submission:

Labcorp Genetics (formerly Invitae), Labcorp
Classification: Uncertain significance for Pitt-Hopkins syndrome. Last evaluated: 2025-09-23. Review status: criteria provided, single submitter. Criteria: Invitae Variant Classification Sherloc (09022015). Collection method: clinical testing. Allele origin: germline.
Comment: This sequence change replaces glutamine, which is neutral and polar, with histidine, which is basic and polar, at codon 119 of the TCF4 protein (p.Gln119His). This variant is not present in population databases (gnomAD no frequency). This variant has not been reported in the literature in individuals affected with TCF4-related conditions. Invitae Evidence Modeling of protein sequence and biophysical properties (such as structural, functional, and spatial information, amino acid conservation, physicochemical variation, residue mobility, and thermodynamic stability) indicates that this missense variant is not expected to disrupt TCF4 protein function with a negative predictive value of 95%. In summary, the available evidence is currently insufficient to determine the role of this variant in disease. Therefore, it has been classified as a Variant of Uncertain Significance.

NM_001083962.2(TCF4):c.357G>T (p.Gln119His)

Gene: TCF4 (transcription factor 4; minus strand). Cytogenetic location: 18q21.2.
Variant type: single nucleotide variant.
Coding change: c.357G>T on transcript NM_001083962.2 (MANE Select); coding-DNA position 357, G replaced by T.
Protein change: p.Gln119His; replaces glutamine 119 with histidine.
Molecular consequence: missense variant. On other transcripts: 5 prime UTR variant (3).
Genome position (GRCh38, 1-based): chr18:55,403,466, C>A on the plus strand (G>T on the coding strand, the complement: TCF4 is on the minus strand). VCF-style: chr18-55403466-C-A. GRCh37 (hg19) VCF-style: chr18-53070697-C-A.
Other names: c.663G>T, p.Gln221His (NM_001243226.3); c.-31G>T (NM_001348212.2); c.-34G>T (NM_001348213.2, NM_001243233.2); c.285G>T, p.Gln95His (NM_001348217.1, NM_001348218.2, NM_001348219.2 and 15 more transcripts); c.357G>T, p.Gln119His (NM_001369567.1, NM_001369568.1, NM_001369569.1 and 8 more transcripts); c.351G>T, p.Gln117His (NM_001243230.2); c.231G>T, p.Gln77His (NM_001243231.2, NM_001348211.2); c.147G>T, p.Gln49His (NM_001243232.1, NM_001306208.1); short protein forms Q119H, Q221H, Q49H, Q95H, Q117H, Q77H.
Identifiers: ClinVar variation 4767443 (VCV004767443.1).